The following is an entry in ClinVar:

ClinVar aggregate classification (germline): Uncertain significance. Review status: criteria provided, multiple submitters, no conflicts (2 of 4 stars). 3 submissions from 3 submitters: Uncertain significance (3). Last evaluated 2025-08-26.

Conditions:
Inborn genetic diseases. Identifiers: MedGen C0950123, MeSH D030342.

Allele frequency attached by ClinVar (database versions not stated): TOPMed 0.00006; ESP Exome Variant Server 0.00008; ExAC 0.00010; gnomAD exomes 0.00020.
gnomAD v4.1: 296 of 1,598,362 alleles (0.019%); highest among the groups gnomAD compares: Non-Finnish European, 0.025%; no homozygotes.

Submissions (3):

Labcorp Genetics (formerly Invitae), Labcorp
Classification: Uncertain significance. Last evaluated: 2025-08-26. Review status: criteria provided, single submitter. Criteria: Invitae Variant Classification Sherloc (09022015). Collection method: clinical testing. Allele origin: germline.
Comment: This sequence change replaces proline, which is neutral and non-polar, with threonine, which is neutral and polar, at codon 1844 of the OTOGL protein (p.Pro1844Thr). The frequency data for this variant in the population databases is considered unreliable, as metrics indicate poor data quality at this position in the gnomAD database. This variant has not been reported in the literature in individuals affected with OTOGL-related conditions. ClinVar contains an entry for this variant (Variation ID: 2754113). An algorithm developed to predict the effect of missense changes on protein structure and function (PolyPhen-2) suggests that this variant is likely to be tolerated. In summary, the available evidence is currently insufficient to determine the role of this variant in disease. Therefore, it has been classified as a Variant of Uncertain Significance.

Ambry Genetics
Classification: Uncertain significance for Inborn genetic diseases. Last evaluated: 2025-05-21. Review status: criteria provided, single submitter. Criteria: Ambry Variant Classification Scheme 2023. Collection method: clinical testing. Allele origin: germline.

Blueprint Genetics
Classification: Uncertain significance. Last evaluated: 2024-11-14. Review status: criteria provided, single submitter. Criteria: ACMG Guidelines, 2015. Collection method: clinical testing. Allele origin: germline.

NM_001378609.3(OTOGL):c.5557C>A (p.Pro1853Thr)

Gene: OTOGL (otogelin like; plus strand). Cytogenetic location: 12q21.31.
Variant type: single nucleotide variant.
Coding change: c.5557C>A on transcript NM_001378609.3 (MANE Select); coding-DNA position 5557, C replaced by A.
Protein change: p.Pro1853Thr; replaces proline 1853 with threonine.
Molecular consequence: missense variant.
Genome position (GRCh38, 1-based): chr12:80,353,474, C>A. VCF-style: chr12-80353474-C-A. GRCh37 (hg19) VCF-style: chr12-80747254-C-A.
Other names: c.5530C>A (NM_173591.3); c.5422C>A, p.Pro1808Thr (NM_001368062.3); c.5557C>A, p.Pro1853Thr (NM_001378610.3, NM_173591.7); short protein forms P1808T, P1853T.
Identifiers: ClinVar variation 2754113 (VCV002754113.5), dbSNP rs372326020, ClinGen allele CA6701735.